The following is an entry in ClinVar:

NC_000021.8:g.(?_45629566)_(45711113_?)dup

Genes: DNMT3L (DNA methyltransferase 3 like; minus strand), AIRE (autoimmune regulator; plus strand), ICOSLG (inducible T cell costimulator ligand; minus strand). Cytogenetic location: 21q22.3.
Variant type: Duplication.
Identifiers: ClinVar variation 3248144 (VCV003248144.1).

ClinVar aggregate classification (germline): Uncertain significance (1 of 4 stars; one submission).

Conditions:
Polyglandular autoimmune syndrome, type 1 (APS1). Also called: AUTOIMMUNE POLYENDOCRINE SYNDROME, TYPE I, WITH OR WITHOUT REVERSIBLE METAPHYSEAL DYSPLASIA; Whitaker syndrome; APS I; Autoimmune polyendocrinopathy syndrome, type I; HYPOADRENOCORTICISM WITH HYPOPARATHYROIDISM AND SUPERFICIAL MONILIASIS; PGA I. Identifiers: Orphanet 3453, MedGen C0085859, MONDO:0009411, OMIM 240300.

Submission:

Labcorp Genetics (formerly Invitae), Labcorp
Classification: Uncertain significance for Polyglandular autoimmune syndrome, type 1. Last evaluated: 2022-12-03. Review status: criteria provided, single submitter. Criteria: Invitae Variant Classification Sherloc (09022015). Collection method: clinical testing. Allele origin: unknown.
Comment: In summary, the available evidence is currently insufficient to determine the role of this variant in disease. Therefore, it has been classified as a Variant of Uncertain Significance. Experimental studies and prediction algorithms are not available or were not evaluated, and the functional significance of this variant is currently unknown. This variant has not been reported in the literature in individuals affected with AIRE-related conditions. This variant results in a copy number gain of the genomic region encompassing exon(s) 1-8 of the AIRE gene. This region includes the initiator codon of the gene. This copy number gain extends beyond the assayed region for this gene and therefore may encompass additional genes. As the precise location of this event is unknown, it may be in tandem or it may be located elsewhere in the genome.